The following is an entry in ClinVar:

ClinVar aggregate classification (germline): Uncertain significance (1 of 4 stars; one submission).

Submission:

Labcorp Genetics (formerly Invitae), Labcorp
Classification: Uncertain significance. Last evaluated: 2020-10-15. Review status: criteria provided, single submitter. Criteria: Invitae Variant Classification Sherloc (09022015). Collection method: clinical testing. Allele origin: germline.
Comment: In summary, the available evidence is currently insufficient to determine the role of this variant in disease. Therefore, it has been classified as a Variant of Uncertain Significance. Algorithms developed to predict the effect of missense changes on protein structure and function (SIFT, PolyPhen-2, Align-GVGD) all suggest that this variant is likely to be disruptive, but these predictions have not been confirmed by published functional studies and their clinical significance is uncertain. This variant has not been reported in the literature in individuals with SH3PXD2B-related conditions. This variant is not present in population databases (ExAC no frequency). This sequence change replaces proline with glutamine at codon 231 of the SH3PXD2B protein (p.Pro231Gln). The proline residue is highly conserved and there is a moderate physicochemical difference between proline and glutamine.

NM_001017995.3(SH3PXD2B):c.692C>A (p.Pro231Gln)

Gene: SH3PXD2B (SH3 and PX domains 2B; minus strand). Cytogenetic location: 5q35.1.
Variant type: single nucleotide variant.
Coding change: c.692C>A on transcript NM_001017995.3 (MANE Select); coding-DNA position 692, C replaced by A.
Protein change: p.Pro231Gln; replaces proline 231 with glutamine.
Molecular consequence: missense variant.
Genome position (GRCh38, 1-based): chr5:172,353,981, G>T on the plus strand (C>A on the coding strand, the complement: SH3PXD2B is on the minus strand). VCF-style: chr5-172353981-G-T. GRCh37 (hg19) VCF-style: chr5-171780985-G-T.
Other names: c.692C>A, p.Pro231Gln (NM_001308175.2); short protein forms P231Q.
Identifiers: ClinVar variation 1008830 (VCV001008830.8), dbSNP rs1376425621, ClinGen allele CA362143451.